The following is an entry in ClinVar:

NM_001286445.3(RIPOR2):c.2320G>A (p.Gly774Arg)

Gene: RIPOR2 (RHO family interacting cell polarization regulator 2; minus strand). Cytogenetic location: 6p22.3.
Variant type: single nucleotide variant.
Coding change: c.2320G>A on transcript NM_001286445.3 (MANE Select); coding-DNA position 2320, G replaced by A.
Protein change: p.Gly774Arg; replaces glycine 774 with arginine.
Molecular consequence: missense variant.
Genome position (GRCh38, 1-based): chr6:24,832,280, C>T on the plus strand (G>A on the coding strand, the complement: RIPOR2 is on the minus strand). VCF-style: chr6-24832280-C-T. GRCh37 (hg19) VCF-style: chr6-24832508-C-T.
Other names: c.2233G>A, p.Gly745Arg (NM_001346031.2, NM_001346032.2); c.2383G>A, p.Gly795Arg (NM_014722.5); c.2383G>A (NM_014722.3); short protein forms G745R, G795R, G774R.
Identifiers: ClinVar variation 3154623 (VCV003154623.2), dbSNP rs756114171, ClinGen allele CA3659123.

ClinVar aggregate classification (germline): Uncertain significance. Review status: criteria provided, multiple submitters, no conflicts (2 of 4 stars). 2 submissions from 2 submitters: Uncertain significance (2). Last evaluated 2023-11-09.

Allele frequency attached by ClinVar (database versions not stated): gnomAD exomes 0.00001; gnomAD 0.00003; ExAC 0.00005; TOPMed 0.00005.
gnomAD v4.1: 26 of 1,551,630 alleles (0.0017%); highest among the groups gnomAD compares: Middle Eastern, 0.05%; no homozygotes.

Submissions (2):

Ambry Genetics
Classification: Uncertain significance. Last evaluated: 2023-11-09. Review status: criteria provided, single submitter. Criteria: Ambry Variant Classification Scheme 2023. Collection method: clinical testing. Allele origin: germline.

GeneDx
Classification: Uncertain significance. Last evaluated: 2022-01-14. Review status: criteria provided, single submitter. Criteria: GeneDx Variant Classification Process June 2021. Collection method: clinical testing. Allele origin: germline. Affected: yes.
Comment: Not observed at significant frequency in large population cohorts (gnomAD); In silico analysis supports that this missense variant has a deleterious effect on protein structure/function; Has not been previously published as pathogenic or benign to our knowledge; Variants in candidate genes are classified as variants of uncertain significance in accordance with ACMG guidelines (Richards et al., 2015)